The following is an entry in ClinVar:

ClinVar aggregate classification (germline): Uncertain significance. Review status: criteria provided, multiple submitters, no conflicts (2 of 4 stars). 7 submissions from 7 submitters: Uncertain significance (6). 1 of the submissions does not count toward it. Last evaluated 2024-11-14.

Conditions:
Meniere disease. Also called: Ménière's disease. Identifiers: MedGen C0025281, MONDO:0007972, OMIM 156000.
Chédiak-Higashi syndrome (CHS). Also called: Chediak-Higashi Syndrome. Identifiers: Orphanet 167, MedGen C0007965, MONDO:0008963, OMIM 214500.

Allele frequency attached by ClinVar (database versions not stated): gnomAD 0.00011 and 0.00012; gnomAD exomes 0.00019 and 0.00026; TOPMed 0.00019; 1000 Genomes Project 0.00020; ExAC 0.00030; 1000 Genomes Project 30x 0.00031; ESP Exome Variant Server 0.00031.
gnomAD v4.1: 386 of 1,613,616 alleles (0.024%); highest among the groups gnomAD compares: Non-Finnish European, 0.031%; no homozygotes.

Submissions (7):

GeneDx
Classification: Uncertain significance. Last evaluated: 2024-11-14. Review status: criteria provided, single submitter. Criteria: GeneDx Variant Classification Process June 2021. Collection method: clinical testing. Allele origin: germline. Affected: yes.
Comment: In silico analysis indicates that this missense variant does not alter protein structure/function; Has not been previously published as pathogenic or benign to our knowledge

Mayo Clinic Laboratories, Mayo Clinic
Classification: Uncertain significance. Last evaluated: 2023-12-06. Review status: criteria provided, single submitter. Criteria: ACMG Guidelines, 2015. Collection method: clinical testing. Allele origin: germline. Observed: 1 variant allele.
Comment: PM1

Labcorp Genetics (formerly Invitae), Labcorp
Classification: Uncertain significance for Chédiak-Higashi syndrome. Last evaluated: 2022-09-27. Review status: criteria provided, single submitter. Criteria: Invitae Variant Classification Sherloc (09022015). Collection method: clinical testing. Allele origin: germline.
Comment: This sequence change replaces arginine, which is basic and polar, with glutamine, which is neutral and polar, at codon 1104 of the LYST protein (p.Arg1104Gln). This variant is present in population databases (rs148299757, gnomAD 0.04%). This variant has not been reported in the literature in individuals affected with LYST-related conditions. ClinVar contains an entry for this variant (Variation ID: 450396). Advanced modeling of protein sequence and biophysical properties (such as structural, functional, and spatial information, amino acid conservation, physicochemical variation, residue mobility, and thermodynamic stability) has been performed at Invitae for this missense variant, however the output from this modeling did not meet the statistical confidence thresholds required to predict the impact of this variant on LYST protein function. In summary, the available evidence is currently insufficient to determine the role of this variant in disease. Therefore, it has been classified as a Variant of Uncertain Significance.

Revvity Omics, Revvity
Classification: Uncertain significance for Chédiak-Higashi syndrome. Last evaluated: 2019-11-27. Review status: criteria provided, single submitter. Criteria: ACMG Guidelines, 2015. Collection method: clinical testing. Allele origin: germline.

Fulgent Genetics
Classification: Uncertain significance for Chédiak-Higashi syndrome. Last evaluated: 2018-10-31. Review status: criteria provided, single submitter. Criteria: ACMG Guidelines, 2015. Collection method: clinical testing. Allele origin: unknown.

Illumina Laboratory Services, Illumina
Classification: Uncertain significance for Chédiak-Higashi syndrome. Last evaluated: 2017-04-28. Review status: criteria provided, single submitter. Criteria: ICSL Variant Classification Criteria 13 December 2019. Collection method: clinical testing. Allele origin: germline.

Center for Computational Biology & Bioinformatics, University of California, San Diego
Classification: Uncertain significance for Meniere disease. Last evaluated: 2024-06-03. Review status: no assertion criteria provided. Collection method: research. Allele origin: germline. Affected: yes. Not counted in ClinVar's aggregate classification.

NM_000081.4(LYST):c.3311G>A (p.Arg1104Gln)

Gene: LYST (lysosomal trafficking regulator; minus strand). Cytogenetic location: 1q42.3.
Variant type: single nucleotide variant.
Coding change: c.3311G>A on transcript NM_000081.4 (MANE Select); coding-DNA position 3311, G replaced by A.
Protein change: p.Arg1104Gln; replaces arginine 1104 with glutamine.
Molecular consequence: missense variant.
Genome position (GRCh38, 1-based): chr1:235,805,825, C>T on the plus strand (G>A on the coding strand, the complement: LYST is on the minus strand). VCF-style: chr1-235805825-C-T. GRCh37 (hg19) VCF-style: chr1-235969125-C-T.
Other names: p.Arg1104Gln; c.3311G>A, p.Arg1104Gln (NM_001301365.1); short protein forms R1104Q.
Identifiers: ClinVar variation 450396 (VCV000450396.16), dbSNP rs148299757, ClinGen allele CA1467107.